The following is an entry in ClinVar:

NM_198578.4(LRRK2):c.5470A>G (p.Lys1824Glu)

Gene: LRRK2 (leucine rich repeat kinase 2; plus strand). Cytogenetic location: 12q12.
Variant type: single nucleotide variant.
Coding change: c.5470A>G on transcript NM_198578.4 (MANE Select); coding-DNA position 5470, A replaced by G.
Protein change: p.Lys1824Glu; replaces lysine 1824 with glutamic acid.
Molecular consequence: missense variant.
Genome position (GRCh38, 1-based): chr12:40,322,471, A>G. VCF-style: chr12-40322471-A-G. GRCh37 (hg19) VCF-style: chr12-40716273-A-G.
Other names: short protein forms K1824E.
Identifiers: ClinVar variation 3229697 (VCV003229697.1), dbSNP rs2499885761, ClinGen allele CA384420837.
Genomic context (GRCh38, chr12:40,322,471, plus strand): 5'-GGAGAAACTCTGTTGAAGAAATGGGCATTATATAGTTTTAATGATGGTGAAGAACATCAA[A>G]AAATCTTACTTGATGACTTGATGAAGAAAGCAGAGGAAGGTATGTTTTGATACAACTTAC-3'
Protein context (NP_940980.4, residues 1814-1834): YSFNDGEEHQ[Lys1824Glu]ILLDDLMKKA

ClinVar aggregate classification (germline): Uncertain significance (1 of 4 stars; one submission).

Conditions:
Inborn genetic diseases. Identifiers: MedGen C0950123, MeSH D030342.

Allele frequency attached by ClinVar (database versions not stated): gnomAD exomes below 0.00001.
gnomAD v4.1: 1 of 1,613,356 alleles (0.000062%); highest among the groups gnomAD compares: Non-Finnish European, 0.000085%; no homozygotes.

Submission:

Ambry Genetics
Classification: Uncertain significance for Inborn genetic diseases. Last evaluated: 2023-10-13. Review status: criteria provided, single submitter. Criteria: Ambry Variant Classification Scheme 2023. Collection method: clinical testing. Allele origin: germline.
Comment: The p.K1824E variant (also known as c.5470A>G), located in coding exon 37 of the LRRK2 gene, results from an A to G substitution at nucleotide position 5470. The lysine at codon 1824 is replaced by glutamic acid, an amino acid with similar properties. This amino acid position is conserved. In addition, the in silico prediction for this alteration is inconclusive. Since supporting evidence is limited at this time, the clinical significance of this alteration remains unclear.